The following is an entry in ClinVar:

ClinVar aggregate classification (germline): Uncertain significance (1 of 4 stars; one submission).

Submission:

GeneDx
Classification: Uncertain significance. Last evaluated: 2024-01-27. Review status: criteria provided, single submitter. Criteria: GeneDx Variant Classification Process June 2021. Collection method: clinical testing. Allele origin: germline. Affected: yes.
Comment: Not observed at significant frequency in large population cohorts (gnomAD); In silico analysis supports that this missense variant has a deleterious effect on protein structure/function; Has not been previously published as pathogenic or benign to our knowledge

NM_001710.6(CFB):c.1816G>A (p.Ala606Thr)

Gene: CFB (complement factor B; plus strand). Cytogenetic location: 6p21.33.
Variant type: single nucleotide variant.
Coding change: c.1816G>A on transcript NM_001710.6 (MANE Select); coding-DNA position 1816, G replaced by A.
Protein change: p.Ala606Thr; replaces alanine 606 with threonine.
Molecular consequence: missense variant.
Genome position (GRCh38, 1-based): chr6:31,950,905, G>A. VCF-style: chr6-31950905-G-A. GRCh37 (hg19) VCF-style: chr6-31918682-G-A.
Other names: short protein forms A606T.
Identifiers: ClinVar variation 3368334 (VCV003368334.1).
Genomic context (GRCh38, chr6:31,950,905, plus strand): 5'-GCTGTTCTCCTTGTCCTTTATAGGCCCATTTGTCTCCCCTGCACCGAGGGAACAACTCGA[G>A]CTTTGAGGCTTCCTCCAACTACCACTTGCCAGCAACAAAGTAAGACATACTTGGCAAGAG-3'
Protein context (NP_001701.2, residues 596-616): CLPCTEGTTR[Ala606Thr]LRLPPTTTCQ